The following continues an entry in ClinVar:

NM_000540.3(RYR1):c.6617C>T (p.Thr2206Met)

Gene: RYR1. ClinVar aggregate classification (germline): Pathogenic. Pathogenic (1).

Submissions 14 to 23 of 31:

Color Diagnostics, LLC DBA Color Health
Classification: Pathogenic for Malignant hyperthermia, susceptibility to, 1. Last evaluated: 2024-01-23. Review status: criteria provided, single submitter. Criteria: ACMG Guidelines, 2015. Collection method: clinical testing. Allele origin: germline. Not counted in ClinVar's aggregate classification.
Comment: This missense variant replaces threonine with methionine at codon 2206 of the RYR1 protein. Computational prediction suggests that this variant may have deleterious impact on protein structure and function (internally defined REVEL score threshold >= 0.7, PMID: 27666373). A functional study in HEK293 cells showed that cells expressing this variant are more sensitive to the RYR1 agonist caffeine than cells expressing wild-type RYR1 (PMID: 27586648). This variant has been reported in over 30 individuals and families affected with malignant hyperthermia susceptibility (PMID: 30236257, 31206373), and it has been shown that this variant segregates with malignant hyperthermia susceptibility in several families (PMID: 9497245, 19919814, 25960145). This variant has been identified in 6/282614 chromosomes in the general population by the Genome Aggregation Database (gnomAD). Based on the available evidence, this variant is classified as Pathogenic.

Blueprint Genetics
Classification: Pathogenic for RYR1-related disorders. Last evaluated: 2022-10-07. Review status: criteria provided, single submitter. Criteria: ACMG Guidelines, 2015. Collection method: clinical testing. Allele origin: germline. Affected: yes. Observed: 4 variant alleles. Not counted in ClinVar's aggregate classification.

GeneDx
Classification: Pathogenic. Last evaluated: 2022-07-19. Review status: criteria provided, single submitter. Criteria: GeneDx Variant Classification Process June 2021. Collection method: clinical testing. Allele origin: germline. Affected: yes. Not counted in ClinVar's aggregate classification.
Comment: Identified in the heterozygous state in association with malignant hyperthermia in published literature (Manning et al., 1998; Monnier et al., 2005; Ibarra et al., 2019); Identified in the heterozygous state in two siblings with myalgia and suspected rhabdomyolysis in published literature (Witting et al., 2018); Published functional studies demonstrate enhanced sensitivity to caffeine and 4-chloro-m-cresol (Wehner et al., 2002; Murayama et al., 2016); Not observed at a significant frequency in large population cohorts (gnomAD); In silico analysis, which includes protein predictors and evolutionary conservation, supports a deleterious effect; This variant is associated with the following publications: (PMID: 15448513, 27586648, 30236257, 19648156, 18505122, 11575529, 12059893, 12208234, 23558838, 16917943, 18564801, 25558065, 32552793, 32665702, 33087929, 9497245, 16163667, 31206373, 23919265, 29635721, 12220451, 30611313, 31127727, 32528171, 32419263, 31321302, 19919814, 12668474)

Department of Human Genetics, Hannover Medical School
Classification: Pathogenic for Malignant hyperthermia, susceptibility to, 1. Last evaluated: 2022-04-27. Review status: criteria provided, single submitter. Criteria: ACMG Guidelines, 2015. Collection method: clinical testing. Allele origin: germline. Inheritance: Autosomal dominant inheritance. Affected: yes. Not counted in ClinVar's aggregate classification.

ARUP Laboratories, Molecular Genetics and Genomics, ARUP Laboratories
Classification: Pathogenic. Last evaluated: 2021-09-03. Review status: criteria provided, single submitter. Criteria: ARUP Molecular Germline Variant Investigation Process 2021. Collection method: clinical testing. Allele origin: germline. Not counted in ClinVar's aggregate classification.
Comment: The RYR1 c.6617C>T; p.Thr2206Met variant (rs118192177) is reported in the literature in several individuals affected with malignant hyperthermia and segregates with disease in families (selected references: Brandom 2013, Manning 1998, Wehner 2002). Results of caffeine challenge in patients and in vitro assessment of calcium homeostasis are consistent with malignant hyperthermia (Murayama 2016, Wehner 2002). The variant is reported as pathogenic by several sources in the ClinVar database (Variation ID: 12977) and is listed in the general population with an overall allele frequency of 0.002% (6/282,614 alleles) in the Genome Aggregation Database. The threonine at codon 2206 is highly conserved and computational analyses predict that this variant is deleterious (REVEL: 0.95). Based on available information, this variant is considered to be pathogenic. References: Brandom BW et al. Ryanodine receptor type 1 gene variants in the malignant hyperthermia-susceptible population of the United States. Anesth Analg. 2013 May;116(5):1078-86. PMID: 23558838. Manning BM et al. Identification of novel mutations in the ryanodine-receptor gene (RYR1) in malignant hyperthermia: genotype-phenotype correlation. Am J Hum Genet. 1998 Mar;62(3):599-609. PMID: 9497245. Murayama T et al. Genotype-Phenotype Correlations of Malignant Hyperthermia and Central Core Disease Mutations in the Central Region of the RYR1 Channel. Hum Mutat. 2016 Nov;37(11):1231-1241. PMID: 27586648. Wehner M et al. Increased sensitivity to 4-chloro-m-cresol and caffeine in primary myotubes from malignant hyperthermia susceptible individuals carrying the ryanodine receptor 1 Thr2206Met (C6617T) mutation. Clin Genet. 2002 Aug;62(2):135-46. PMID: 12220451.

Institute of Human Genetics Munich, TUM University Hospital
Classification: Pathogenic for Malignant hyperthermia, susceptibility to, 1. Last evaluated: 2021-02-19. Review status: criteria provided, single submitter. Criteria: Classification criteria August 2017. Collection method: clinical testing. Allele origin: maternal. Inheritance: Autosomal dominant inheritance. Affected: yes. Observed: 1 variant allele. Not counted in ClinVar's aggregate classification.

Laboratory for Molecular Medicine, Mass General Brigham Personalized Medicine
Classification: Pathogenic for Malignant hyperthermia of anesthesia. Last evaluated: 2021-02-19. Review status: criteria provided, single submitter. Criteria: LMM Criteria. Collection method: clinical testing. Allele origin: germline. Inheritance: Autosomal dominant inheritance. Observed: 4 variant alleles. Not counted in ClinVar's aggregate classification.
Comment: The p.Thr2206Met variant in RYR1 has been reported in the heterozygous state in >30 individuals with malignant hyperthermia (MH) and segregated with disease in 6 relatives from 3 families (Manning 1998 PMID: 9497245, Rueffert 2002 PMID: 19919814, Carpenter 2009 PMID: 19648156, Sambuughin 2001 PMID: 11575529, Wehner 2002 PMID: 12220451, Alazami 2015 PMID: 25558065, Miller 2018 PMID: 30236257, Ibarra Moreno 2019 PMID: 31206373). It was also reported in the heterozygous state in at least 1 individual with multi-minicore myopathy and in the homozygous state in 1 individual with muscular dystrophy (Amburgey 2013 PMID: 23919265). Additionally, it has been reported by other clinical laboratories in ClinVar (Variation ID: 12977) and has been identified in 0.004% (5/129110) of European chromosomes and 0.005% (1/19446) of East Asian by gnomAD. In vitro functional studies provide some evidence that the p.Thr2206Met variant may impact RYR1 protein function (Wehner 2002 PMID: 12220451, Murayama 2016 PMID: 27586648), and computational prediction tools and conservation analysis suggest that this variant may impact the protein. This variant lies in the central region of the protein and missense variants in this region are statistically more likely to be disease-associated (Maclennan 2011 PMID: 21118704). In summary, this variant meets criteria to be classified as pathogenic for MH in an autosomal dominant manner. ACMG/AMP Criteria applied: PS4, PM1, PP1_Moderate, PM2_Supporting, PP3, PS3_Supporting.

Johns Hopkins Genomics, Johns Hopkins University
Classification: Pathogenic for Malignant hyperthermia, susceptibility to, 1. Last evaluated: 2020-05-21. Review status: criteria provided, single submitter. Criteria: ACMG Guidelines, 2015. Collection method: clinical testing. Allele origin: germline. Not counted in ClinVar's aggregate classification.

Women's Health and Genetics/Laboratory Corporation of America, LabCorp
Classification: Pathogenic for Malignant hyperthermia susceptibility. Last evaluated: 2020-05-05. Review status: criteria provided, single submitter. Criteria: LabCorp Variant Classification Summary - May 2015. Collection method: clinical testing. Allele origin: germline. Not counted in ClinVar's aggregate classification.
Comment: Variant summary: RYR1 c.6617C>T (p.Thr2206Met) results in a non-conservative amino acid change located in the RIH domain (IPR000699) of the encoded protein sequence. Five of five in-silico tools predict a damaging effect of the variant on protein function. The variant allele was found at a frequency of 2e-05 in 251224 control chromosomes (gnomAD). c.6617C>T has been reported in the literature in numerous individuals affected with Malignant Hyperthermia Susceptibility and was also shown to co-segregate with disease in families (e.g. Manning_1998, Carpenter_2009, Brandom_2013, Klinger_2014). Functional studies have shown the variant to disrupt cellular calcium homeostasis (e.g. Wehner_2002). Five clinical diagnostic laboratories have submitted clinical-significance assessments for this variant to ClinVar after 2014 without evidence for independent evaluation. All laboratories classified the variant as pathogenic. Based on the evidence outlined above, the variant was classified as pathogenic.

Human Genome Sequencing Center Clinical Lab, Baylor College of Medicine
Classification: Pathogenic for Malignant hyperthermia suceptibility 1. Last evaluated: 2019-06-17. Review status: criteria provided, single submitter. Criteria: ACMG Guidelines, 2015. Collection method: clinical testing. Allele origin: germline. Not counted in ClinVar's aggregate classification.
Comment: The c.6617C>T (p.Thr2206Met) variant in the RYR1 gene has been reported in multiple unrelated individuals affected with malignant hyperthermia (PMID 9497245, 12220451, 19648156) and is extremely rare in general population databases. Multiple independent in vitro experiments showed this variant is functionally damaging (PMID 12220451, 19648156, 27586648). Multiple in silico algorithms also predicted this p.Thr2206Met change to be deleterious. Therefore, this c.6617C>T (p.Thr2206Met) variant in the RYR1 gene is classified as pathogenic.